The following is an entry in ClinVar:

NM_016188.5(ACTL6B):c.1088G>A (p.Arg363Gln)

Gene: ACTL6B (actin like 6B; minus strand). Cytogenetic location: 7q22.1.
Variant type: single nucleotide variant.
Coding change: c.1088G>A on transcript NM_016188.5 (MANE Select); coding-DNA position 1088, G replaced by A.
Protein change: p.Arg363Gln; replaces arginine 363 with glutamine.
Molecular consequence: missense variant. On other transcripts: non-coding transcript variant (1).
Genome position (GRCh38, 1-based): chr7:100,646,576, C>T on the plus strand (G>A on the coding strand, the complement: ACTL6B is on the minus strand). VCF-style: chr7-100646576-C-T. GRCh37 (hg19) VCF-style: chr7-100244199-C-T.
Other names: short protein forms R363Q.
Identifiers: ClinVar variation 3774894 (VCV003774894.3).

ClinVar aggregate classification (germline): Uncertain significance. Review status: criteria provided, multiple submitters, no conflicts (2 of 4 stars). 2 submissions from 2 submitters: Uncertain significance (2). Last evaluated 2025-11-30.

Conditions:
Intellectual developmental disorder with severe speech and ambulation defects. Identifiers: MedGen C5193115, MONDO:0032770, OMIM 618470.

Submissions (2):

GeneDx
Classification: Uncertain significance. Last evaluated: 2025-11-30. Review status: criteria provided, single submitter. Criteria: GeneDx Variant Classification Process June 2021. Collection method: clinical testing. Allele origin: germline.
Comment: Not observed at significant frequency in large population cohorts (gnomAD); In silico analysis supports that this missense variant has a deleterious effect on protein structure/function; Has not been previously published as pathogenic or benign to our knowledge

Illumina Laboratory Services, Illumina
Classification: Uncertain significance for Intellectual developmental disorder with severe speech and ambulation defects. Last evaluated: 2024-02-22. Review status: criteria provided, single submitter. Criteria: ISL SNV Classification Criteria 03 February 2026. Collection method: clinical testing. Allele origin: unknown.
Comment: The ACTL6B c.1088G>A p.(Arg363Gln) missense variant has not, to our knowledge, been reported in the peer-reviewed literature. This variant is not observed in version 2.1.1 or version 4.0.0 of the Genome Aggregation Database. Multiple lines of computational evidence suggest the variant may impact the gene or gene product. Based on the available evidence, the c.1088G>A p.(Arg363Gln) variant is classified as a variant of uncertain significance for intellectual developmental disorder with severe speech and ambulation defects.